The following is an entry in ClinVar:

ClinVar aggregate classification (germline): Benign/Likely benign. Review status: criteria provided, multiple submitters, no conflicts (2 of 4 stars). 12 submissions from 12 submitters: Benign (2); Likely benign (7). 3 of the submissions do not count toward it. Last evaluated 2026-02-01.

Conditions:
AXIN2-related disorder.
Hereditary cancer-predisposing syndrome. Also called: Tumor predisposition; Neoplastic Syndromes, Hereditary; Hereditary Cancer Syndrome; Hereditary neoplastic syndrome. Identifiers: Orphanet 140162, MedGen C0027672, MeSH D009386, MONDO:0015356.
Oligodontia-cancer predisposition syndrome. Also called: TOOTH AGENESIS-COLORECTAL CANCER SYNDROME. Identifiers: Orphanet 300576, MedGen C1837750, MONDO:0012075, OMIM 608615. Disease mechanism: loss of function.

Allele frequency attached by ClinVar (database versions not stated): gnomAD 0.00011 and 0.00013; gnomAD exomes 0.00011 and 0.00012; TOPMed 0.00012; ExAC 0.00014; ESP Exome Variant Server 0.00031.
gnomAD v4.1: 199 of 1,614,228 alleles (0.012%); highest among the groups gnomAD compares: Non-Finnish European, 0.015%; no homozygotes.

Submissions (12):

Labcorp Genetics (formerly Invitae), Labcorp
Classification: Likely benign for Oligodontia-cancer predisposition syndrome. Last evaluated: 2026-02-01. Review status: criteria provided, single submitter. Criteria: Invitae Variant Classification Sherloc (09022015). Collection method: clinical testing. Allele origin: germline.

Center for Genomic Medicine, Rigshospitalet, Copenhagen University Hospital
Classification: Likely benign. Last evaluated: 2025-12-29. Review status: criteria provided, single submitter. Criteria: ACMG Guidelines, 2015. Collection method: clinical testing. Allele origin: germline.

CeGaT Center for Human Genetics Tuebingen
Classification: Likely benign. Last evaluated: 2025-11-01. Review status: criteria provided, single submitter. Criteria: CeGaT Center For Human Genetics Tuebingen Variant Classification Criteria Version 2. Collection method: clinical testing. Allele origin: germline. Affected: yes. Observed: 2 variant alleles.
Comment: AXIN2: BP4, BP7

Blueprint Genetics
Classification: Likely benign. Last evaluated: 2024-10-24. Review status: criteria provided, single submitter. Criteria: ACMG Guidelines, 2015. Collection method: clinical testing. Allele origin: germline.

Myriad Genetics, Inc.
Classification: Benign for Oligodontia-cancer predisposition syndrome. Last evaluated: 2024-07-11. Review status: criteria provided, single submitter. Criteria: Myriad Autosomal Dominant, Autosomal Recessive and X-Linked Classification Criteria (2023). Collection method: clinical testing. Allele origin: unknown.
Comment: This variant is considered benign. This variant is a silent/synonymous amino acid change and it is not expected to impact splicing.

Quest Diagnostics Nichols Institute San Juan Capistrano
Classification: Likely benign. Last evaluated: 2023-07-14. Review status: criteria provided, single submitter. Criteria: Quest Diagnostics criteria. Collection method: clinical testing. Allele origin: unknown.

Sema4
Classification: Likely benign for Hereditary cancer-predisposing syndrome. Last evaluated: 2021-12-05. Review status: criteria provided, single submitter. Criteria: Sema4 Curation Guidelines. Collection method: curation. Allele origin: germline.

Ambry Genetics
Classification: Likely benign for Hereditary cancer-predisposing syndrome. Last evaluated: 2018-10-29. Review status: criteria provided, single submitter. Criteria: Ambry Variant Classification Scheme 2023. Collection method: clinical testing. Allele origin: germline.

GeneDx
Classification: Benign. Last evaluated: 2014-08-15. Review status: criteria provided, single submitter. Criteria: GeneDx Variant Classification (06012015). Collection method: clinical testing. Allele origin: germline. Affected: yes.
Comment: This variant is considered likely benign or benign based on one or more of the following criteria: it is a conservative change, it occurs at a poorly conserved position in the protein, it is predicted to be benign by multiple in silico algorithms, and/or has population frequency not consistent with disease.

PreventionGenetics, part of Exact Sciences
Classification: Likely benign for AXIN2-related condition. Last evaluated: 2023-12-20. Review status: no assertion criteria provided. Collection method: clinical testing. Allele origin: germline. Not counted in ClinVar's aggregate classification.
Comment: This variant is classified as likely benign based on ACMG/AMP sequence variant interpretation guidelines (Richards et al. 2015 PMID: 25741868, with internal and published modifications).

Clinical Genetics DNA and cytogenetics Diagnostics Lab, Erasmus MC, Erasmus Medical Center
Classification: Likely benign. Review status: no assertion criteria provided. Collection method: clinical testing. Allele origin: germline. Affected: yes. Study: VKGL Data-share Consensus. Not counted in ClinVar's aggregate classification.

Clinical Genetics, Academic Medical Center
Classification: Likely benign. Review status: no assertion criteria provided. Collection method: clinical testing. Allele origin: germline. Affected: yes. Study: VKGL Data-share Consensus. Not counted in ClinVar's aggregate classification.

NM_004655.4(AXIN2):c.2433G>A (p.Glu811=)

Gene: AXIN2 (axin 2; minus strand). Cytogenetic location: 17q24.1.
Variant type: single nucleotide variant.
Coding change: c.2433G>A on transcript NM_004655.4 (MANE Select); coding-DNA position 2433, G replaced by A.
Protein change: p.Glu811=; no amino-acid change (glutamic acid 811 retained).
Molecular consequence: synonymous variant.
Genome position (GRCh38, 1-based): chr17:65,530,075, C>T on the plus strand (G>A on the coding strand, the complement: AXIN2 is on the minus strand). VCF-style: chr17-65530075-C-T. GRCh37 (hg19) VCF-style: chr17-63526193-C-T.
Other names: p.E811E:GAG>GAA; c.2238G>A, p.Glu746= (NM_001363813.1); c.2433G>A (LRG_296t1).
Identifiers: ClinVar variation 182020 (VCV000182020.33), dbSNP rs147134295, ClinGen allele CA298419.